The following is an entry in ClinVar:

NM_001451.3(FOXF1):c.682_690del (p.Cys228_Gly230del)

Gene: FOXF1 (forkhead box F1; plus strand). Cytogenetic location: 16q24.1.
Variant type: Deletion.
Coding change: c.682_690del on transcript NM_001451.3 (MANE Select); coding-DNA positions 682 to 690, 9 bases deleted (TGCGGCGGC; older notation c.682_690delTGCGGCGGC).
Protein change: p.Cys228_Gly230del.
Molecular consequence: inframe deletion.
Genome position (GRCh38, 1-based): chr16:86,511,251-86,511,259, TGCGGCGGC deleted; deleting any 9 consecutive bases within chr16:86,511,245-86,511,259 gives the same sequence; the c. name uses the placement nearest the transcript's 3' end. VCF-style (leftmost placement, unchanged base first): chr16-86511244-GGGCGGCTGC-G. GRCh37 (hg19) VCF-style: chr16-86544850-GGGCGGCTGC-G.
Identifiers: ClinVar variation 2961539 (VCV002961539.3), dbSNP rs946157912, ClinGen allele CA285810252.

ClinVar aggregate classification (germline): Uncertain significance (1 of 4 stars; one submission).

Submission:

Labcorp Genetics (formerly Invitae), Labcorp
Classification: Uncertain significance. Last evaluated: 2023-02-22. Review status: criteria provided, single submitter. Criteria: Invitae Variant Classification Sherloc (09022015). Collection method: clinical testing. Allele origin: germline.
Comment: This variant is present in population databases (no rsID available, gnomAD 0.005%). In summary, the available evidence is currently insufficient to determine the role of this variant in disease. Therefore, it has been classified as a Variant of Uncertain Significance. Experimental studies and prediction algorithms are not available or were not evaluated, and the functional significance of this variant is currently unknown. This variant has not been reported in the literature in individuals affected with FOXF1-related conditions. This variant, c.682_690del, results in the deletion of 3 amino acid(s) of the FOXF1 protein (p.Cys228_Gly230del), but otherwise preserves the integrity of the reading frame.